The following is an entry in ClinVar:

ClinVar aggregate classification (germline): Likely benign. Review status: criteria provided, multiple submitters, no conflicts (2 of 4 stars). 4 submissions from 4 submitters: Likely benign (4). Last evaluated 2026-10-01.

Conditions:
CAD-related disorder. Also called: CAD-related condition.

Allele frequency attached by ClinVar (database versions not stated): gnomAD 0.00066 and 0.00073; ESP Exome Variant Server 0.00069; TOPMed 0.00083; 1000 Genomes Project 0.00100; gnomAD exomes 0.00101 and 0.00122; ExAC 0.00110; 1000 Genomes Project 30x 0.00125.
gnomAD v4.1: 1,885 of 1,614,200 alleles (0.12%); highest among the groups gnomAD compares: South Asian, 0.33%; 8 homozygotes.

Submissions (4):

CeGaT Center for Human Genetics Tuebingen
Classification: Likely benign. Last evaluated: 2026-10-01. Review status: criteria provided, single submitter. Criteria: CeGaT Center For Human Genetics Tuebingen Variant Classification Criteria Version 2. Collection method: clinical testing. Allele origin: germline. Affected: yes. Observed: 3 variant alleles.
Comment: CAD: BS2

PreventionGenetics, part of Exact Sciences
Classification: Likely benign for CAD-related condition. Last evaluated: 2026-06-22. Review status: criteria provided, single submitter. Criteria: ACMG Guidelines, 2015. Collection method: clinical testing. Allele origin: germline.
Comment: This variant is classified as likely benign based on ACMG/AMP sequence variant interpretation guidelines (Richards et al. 2015 PMID: 25741868, with internal and published modifications).

Labcorp Genetics (formerly Invitae), Labcorp
Classification: Likely benign. Last evaluated: 2026-01-28. Review status: criteria provided, single submitter. Criteria: Invitae Variant Classification Sherloc (09022015). Collection method: clinical testing. Allele origin: germline.

Breakthrough Genomics
Classification: Likely benign. Review status: criteria provided, single submitter. Criteria: ACMG Guidelines, 2015. Collection method: not provided. Allele origin: germline. Inheritance: Autosomal recessive inheritance. Affected: yes.

NM_004341.5(CAD):c.1139C>A (p.Pro380His)

Gene: CAD (carbamoyl-phosphate synthetase 2, aspartate transcarbamylase, and dihydroorotase; plus strand). Cytogenetic location: 2p23.3.
Variant type: single nucleotide variant.
Coding change: c.1139C>A on transcript NM_004341.5 (MANE Select); coding-DNA position 1139, C replaced by A.
Protein change: p.Pro380His; replaces proline 380 with histidine.
Molecular consequence: missense variant.
Genome position (GRCh38, 1-based): chr2:27,224,375, C>A. VCF-style: chr2-27224375-C-A. GRCh37 (hg19) VCF-style: chr2-27447243-C-A.
Other names: c.1139C>A, p.Pro380His (NM_001306079.2); short protein forms P380H.
Identifiers: ClinVar variation 773478 (VCV000773478.35), dbSNP rs146282777, ClinGen allele CA1572628.
Genomic context (GRCh38, chr2:27,224,375, plus strand): 5'-AACATTCTACGACCTTCTTTGCTTCCACAGTTAGAGAGCGGCTGACTGAGCGCCTCTGTC[C>A]CCCTGGGATTCCCACTCCCGGCTCTGGACTTCCACCACCACGAAAGGTTCTGATCCTGGG-3'
Protein context (NP_004332.2, residues 370-390): VRERLTERLC[Pro380His]PGIPTPGSGL